The following is an entry in ClinVar:

ClinVar aggregate classification (germline): Likely benign (1 of 4 stars; one submission).

Allele frequency attached by ClinVar (database versions not stated): gnomAD exomes 0.00002; ExAC 0.00003; TOPMed 0.00003; gnomAD 0.00004; ESP Exome Variant Server 0.00015; 1000 Genomes Project 0.00020; 1000 Genomes Project 30x 0.00031.
gnomAD v4.1: 42 of 1,613,878 alleles (0.0026%); highest among the groups gnomAD compares: Middle Eastern, 0.033%; no homozygotes.

Submission:

CeGaT Center for Human Genetics Tuebingen
Classification: Likely benign. Last evaluated: 2023-10-01. Review status: criteria provided, single submitter. Criteria: CeGaT Center For Human Genetics Tuebingen Variant Classification Criteria Version 2. Collection method: clinical testing. Allele origin: germline. Affected: yes. Observed: 2 variant alleles.
Comment: EXOC7: BP4, BP7

NM_001013839.4(EXOC7):c.1548C>T (p.Tyr516=)

Gene: EXOC7 (exocyst complex component 7; minus strand). Cytogenetic location: 17q25.1.
Variant type: single nucleotide variant.
Coding change: c.1548C>T on transcript NM_001013839.4 (MANE Select); coding-DNA position 1548, C replaced by T.
Protein change: p.Tyr516=; no amino-acid change (tyrosine 516 retained).
Molecular consequence: synonymous variant.
Genome position (GRCh38, 1-based): chr17:76,085,745, G>A on the plus strand (C>T on the coding strand, the complement: EXOC7 is on the minus strand). VCF-style: chr17-76085745-G-A. GRCh37 (hg19) VCF-style: chr17-74081826-G-A.
Other names: c.1464C>T, p.Tyr488= (NM_001145296.1, NM_001282313.2); c.1701C>T, p.Tyr567= (NM_001145297.4); c.1524C>T, p.Tyr508= (NM_001145298.4); c.1617C>T, p.Tyr539= (NM_001145299.4); c.1587C>T, p.Tyr529= (NM_001375974.1); c.1494C>T, p.Tyr498= (NM_001375975.1); c.1656C>T, p.Tyr552= (NM_001375976.1); c.1455C>T, p.Tyr485= (NM_015219.5).
Identifiers: ClinVar variation 2648291 (VCV002648291.24), dbSNP rs142464366, ClinGen allele CA8781228.